The following is an entry in ClinVar:

ClinVar aggregate classification (germline): Conflicting classifications of pathogenicity. Review status: criteria provided, conflicting classifications (1 of 4 stars). 4 submissions from 4 submitters: Uncertain significance (2); Likely benign (1). 1 of the submissions does not count toward it. Last evaluated 2024-04-10.

Conditions:
Hereditary cancer-predisposing syndrome. Also called: Tumor predisposition; Neoplastic Syndromes, Hereditary; Hereditary neoplastic syndrome; Hereditary Cancer Syndrome. Identifiers: Orphanet 140162, MedGen C0027672, MeSH D009386, MONDO:0015356.
Hereditary breast ovarian cancer syndrome. Also called: Hereditary breast and ovarian cancer; Hereditary breast and ovarian cancer syndrome (HBOC); Hereditary breast and/or ovarian cancer syndrome; Breast and ovarian cancer; Hereditary breast and ovarian cancer syndrome; BRCA1- and BRCA2-Associated Hereditary Breast and Ovarian Cancer. Identifiers: Orphanet 145, MedGen C0677776, MeSH D061325, MONDO:0003582. Disease mechanism: loss of function.
Breast-ovarian cancer, familial, susceptibility to, 2 (BROVCA2). Also called: BRCA2 Hereditary Breast and Ovarian Cancer. Identifiers: Orphanet 145, MedGen C2675520, MONDO:0012933, OMIM 612555. Disease mechanism: loss of function.

gnomAD v4.1: 1 of 1,613,712 alleles (0.000062%); no homozygotes.

Submissions (4):

Labcorp Genetics (formerly Invitae), Labcorp
Classification: Uncertain significance for Hereditary breast ovarian cancer syndrome. Last evaluated: 2024-04-10. Review status: criteria provided, single submitter. Criteria: Invitae Variant Classification Sherloc (09022015). Collection method: clinical testing. Allele origin: germline.
Comment: This sequence change replaces glycine, which is neutral and non-polar, with alanine, which is neutral and non-polar, at codon 995 of the BRCA2 protein (p.Gly995Ala). This variant is not present in population databases (gnomAD no frequency). This variant has not been reported in the literature in individuals affected with BRCA2-related conditions. ClinVar contains an entry for this variant (Variation ID: 37813). Advanced modeling of protein sequence and biophysical properties (such as structural, functional, and spatial information, amino acid conservation, physicochemical variation, residue mobility, and thermodynamic stability) performed at Invitae indicates that this missense variant is not expected to disrupt BRCA2 protein function with a negative predictive value of 95%. In summary, the available evidence is currently insufficient to determine the role of this variant in disease. Therefore, it has been classified as a Variant of Uncertain Significance.

University of Washington Department of Laboratory Medicine, University of Washington
Classification: Likely benign for Hereditary cancer-predisposing syndrome. Last evaluated: 2023-03-23. Review status: criteria provided, single submitter. Criteria: Dines et al. (Genet Med. 2020). Collection method: curation. Allele origin: germline.
Comment: Missense variant in a coldspot region where missense variants are very unlikely to be pathogenic (PMID:31911673).

BRCA2 exon 11 coldspot. Reclassification based on statistical prior probability.

Ambry Genetics
Classification: Uncertain significance for Hereditary cancer-predisposing syndrome. Last evaluated: 2016-07-26. Review status: criteria provided, single submitter. Criteria: Ambry Variant Classification Scheme 2023. Collection method: clinical testing. Allele origin: germline.
Comment: The p.G995A variant (also known as c.2984G>C), located in coding exon 10 of the BRCA2 gene, results from a G to C substitution at nucleotide position 2984. The glycine at codon 995 is replaced by alanine, an amino acid with similar properties. This variant was not reported in population based cohorts in the following databases: Database of Single Nucleotide Polymorphisms (dbSNP), NHLBI Exome Sequencing Project (ESP), and 1000 Genomes Project. In the ESP, this variant was not observed in 6497 samples (12994 alleles) with coverage at this position. To date, this alteration has been detected with an allele frequency of approximately 0.0003% (greater than 300000 alleles tested) in our clinical cohort. This amino acid position is poorly conserved in available vertebrate species. In addition, this alteration is predicted to be tolerated by in silico analysis. Since supporting evidence is limited at this time, the clinical significance of this alteration remains unclear.

Sharing Clinical Reports Project (SCRP)
Classification: Uncertain significance for Breast-ovarian cancer, familial 2. Last evaluated: 2009-03-06. Review status: no assertion criteria provided. Collection method: clinical testing. Allele origin: germline. Not counted in ClinVar's aggregate classification.

NM_000059.4(BRCA2):c.2984G>C (p.Gly995Ala)

Gene: BRCA2 (BRCA2 DNA repair associated; plus strand). Cytogenetic location: 13q13.1.
Variant type: single nucleotide variant.
Coding change: c.2984G>C on transcript NM_000059.4 (MANE Select); coding-DNA position 2984, G replaced by C.
Protein change: p.Gly995Ala; replaces glycine 995 with alanine.
Molecular consequence: missense variant.
Genome position (GRCh38, 1-based): chr13:32,337,339, G>C. VCF-style: chr13-32337339-G-C. GRCh37 (hg19) VCF-style: chr13-32911476-G-C.
Other names: 3212G>C; short protein forms G995A.
Identifiers: ClinVar variation 37813 (VCV000037813.16), dbSNP rs397507299, ClinGen allele CA016963.